The following is an entry in ClinVar:

ClinVar aggregate classification (germline): Uncertain significance. Review status: criteria provided, multiple submitters, no conflicts (2 of 4 stars). 2 submissions from 2 submitters: Uncertain significance (2). Last evaluated 2022-10-13.

Conditions:
Alstrom syndrome (ALMS). Identifiers: Orphanet 64, MedGen C0268425, MONDO:0008763, OMIM 203800.

Allele frequency attached by ClinVar (database versions not stated): gnomAD exomes below 0.00001; ExAC 0.00001.
gnomAD v4.1: 2 of 1,589,338 alleles (0.00013%); highest among the groups gnomAD compares: Admixed American, 0.0018%; no homozygotes.

Submissions (2):

Labcorp Genetics (formerly Invitae), Labcorp
Classification: Uncertain significance for Alstrom syndrome. Last evaluated: 2022-10-13. Review status: criteria provided, single submitter. Criteria: Invitae Variant Classification Sherloc (09022015). Collection method: clinical testing. Allele origin: germline.
Comment: ClinVar contains an entry for this variant (Variation ID: 1055674). In summary, the available evidence is currently insufficient to determine the role of this variant in disease. Therefore, it has been classified as a Variant of Uncertain Significance. Variants that disrupt the consensus splice site are a relatively common cause of aberrant splicing (PMID: 17576681, 9536098). Algorithms developed to predict the effect of sequence changes on RNA splicing suggest that this variant may disrupt the consensus splice site. This variant has not been reported in the literature in individuals affected with ALMS1-related conditions. This variant is present in population databases (rs747868844, gnomAD 0.003%). This sequence change falls in intron 5 of the ALMS1 gene. It does not directly change the encoded amino acid sequence of the ALMS1 protein. It affects a nucleotide within the consensus splice site.

Fulgent Genetics
Classification: Uncertain significance for Alstrom syndrome. Last evaluated: 2022-01-19. Review status: criteria provided, single submitter. Criteria: ACMG Guidelines, 2015. Collection method: clinical testing. Allele origin: unknown.

Literature cited by the submitters: PubMed 17576681 (cited by Labcorp Genetics (formerly Invitae), Labcorp); PubMed 9536098 (cited by Labcorp Genetics (formerly Invitae), Labcorp).

NM_001378454.1(ALMS1):c.1237+4A>G

Gene: ALMS1 (ALMS1 centrosome and basal body associated protein; plus strand). Cytogenetic location: 2p13.1.
Variant type: single nucleotide variant.
Coding change: c.1237+4A>G on transcript NM_001378454.1 (MANE Select); 4 bases into the intron after coding-DNA position 1237, A replaced by G.
Molecular consequence: intron variant.
Genome position (GRCh38, 1-based): chr2:73,424,906, A>G. VCF-style: chr2-73424906-A-G. GRCh37 (hg19) VCF-style: chr2-73652034-A-G.
Other names: c.1237+4A>G (NM_015120.4).
Identifiers: ClinVar variation 1055674 (VCV001055674.8), dbSNP rs747868844, ClinGen allele CA1713074.